The following is an entry in ClinVar:

ClinVar aggregate classification (germline): Uncertain significance. Review status: criteria provided, multiple submitters, no conflicts (2 of 4 stars). 2 submissions from 2 submitters: Uncertain significance (2). Last evaluated 2022-11-02.

gnomAD v4.1: 16 of 1,613,932 alleles (0.00099%); highest among the groups gnomAD compares: South Asian, 0.0022%; no homozygotes.

Submissions (2):

Blueprint Genetics
Classification: Uncertain significance. Last evaluated: 2022-11-02. Review status: criteria provided, single submitter. Criteria: ACMG Guidelines, 2015. Collection method: clinical testing. Allele origin: germline.

Labcorp Genetics (formerly Invitae), Labcorp
Classification: Uncertain significance. Last evaluated: 2022-08-04. Review status: criteria provided, single submitter. Criteria: Invitae Variant Classification Sherloc (09022015). Collection method: clinical testing. Allele origin: germline.
Comment: In summary, the available evidence is currently insufficient to determine the role of this variant in disease. Therefore, it has been classified as a Variant of Uncertain Significance. Algorithms developed to predict the effect of missense changes on protein structure and function are either unavailable or do not agree on the potential impact of this missense change (SIFT: "Deleterious"; PolyPhen-2: "Probably Damaging"; Align-GVGD: "Class C0"). This variant has not been reported in the literature in individuals affected with PRPF8-related conditions. This variant is present in population databases (rs771270894, gnomAD 0.02%). This sequence change replaces aspartic acid, which is acidic and polar, with valine, which is neutral and non-polar, at codon 1598 of the PRPF8 protein (p.Asp1598Val).

NM_006445.4(PRPF8):c.4793A>T (p.Asp1598Val)

Gene: PRPF8 (pre-mRNA processing factor 8; minus strand). Cytogenetic location: 17p13.3.
Variant type: single nucleotide variant.
Coding change: c.4793A>T on transcript NM_006445.4 (MANE Select); coding-DNA position 4793, A replaced by T.
Protein change: p.Asp1598Val; replaces aspartic acid 1598 with valine.
Molecular consequence: missense variant.
Genome position (GRCh38, 1-based): chr17:1,659,994, T>A on the plus strand (A>T on the coding strand, the complement: PRPF8 is on the minus strand). VCF-style: chr17-1659994-T-A. GRCh37 (hg19) VCF-style: chr17-1563288-T-A.
Other names: short protein forms D1598V.
Identifiers: ClinVar variation 1970112 (VCV001970112.6), dbSNP rs771270894, ClinGen allele CA8271573.
Genomic context (GRCh38, chr17:1,659,994, plus strand): 5'-TTTCGGGGATGGATTGTCTCCTTTTGTACTGTCTCAATTTCCAGTGCATCAAGTTCCTGG[T>A]CAAACACCTGAAGGAAAACATGGAGAGATTAAGACTTGTTAAGGAAGCCCAATTAAAATC-3'
Protein context (NP_006436.3, residues 1588-1608): SIVMDLCQVF[Asp1598Val]QELDALEIET